The following is an entry in ClinVar:

NM_004168.4(SDHA):c.842C>G (p.Thr281Ser)

Gene: SDHA (succinate dehydrogenase complex flavoprotein subunit A; plus strand). Cytogenetic location: 5p15.33.
Variant type: single nucleotide variant.
Coding change: c.842C>G on transcript NM_004168.4 (MANE Select); coding-DNA position 842, C replaced by G.
Protein change: p.Thr281Ser; replaces threonine 281 with serine.
Molecular consequence: missense variant.
Genome position (GRCh38, 1-based): chr5:230,947, C>G. VCF-style: chr5-230947-C-G. GRCh37 (hg19) VCF-style: chr5-231062-C-G.
Other names: c.698C>G, p.Thr233Ser (NM_001294332.2); c.842C>G, p.Thr281Ser (NM_001330758.2); short protein forms T281S, T233S.
Identifiers: ClinVar variation 2166705 (VCV002166705.5), dbSNP rs1735360804, ClinGen allele CA359011799.
Genomic context (GRCh38, chr5:230,947, plus strand): 5'-GCACCTACTTCAGCTGCACGTCTGCCCACACCAGCACTGGCGACGGCACGGCCATGATCA[C>G]CAGGGCAGGCCTTCCTTGCCAGGACCTAGAGTTTGTTCAGTTCCACCCTACAGGTAGGGC-3'
Protein context (NP_004159.2, residues 271-291): TSTGDGTAMI[Thr281Ser]RAGLPCQDLE

ClinVar aggregate classification (germline): Uncertain significance. Review status: criteria provided, multiple submitters, no conflicts (2 of 4 stars). 2 submissions from 2 submitters: Uncertain significance (2). Last evaluated 2023-11-10.

Conditions:
Dilated cardiomyopathy 1GG (CMD1GG). Identifiers: Orphanet 154, MedGen C3150898, MONDO:0013339, OMIM 613642.
Mitochondrial complex II deficiency, nuclear type 1. Also called: SUCCINATE CoQ REDUCTASE DEFICIENCY. Identifiers: Orphanet 3208, MedGen C5700310, MONDO:0100294, OMIM 252011.
Pheochromocytoma/paraganglioma syndrome 5. Also called: Paragangliomas 5; SDHA-Related Hereditary Paraganglioma-Pheochromocytoma Syndrome. Identifiers: Orphanet 29072, MedGen C3279992, MONDO:0013602, OMIM 614165.

gnomAD v4.1: 8 of 1,614,044 alleles (0.0005%); highest among the groups gnomAD compares: Non-Finnish European, 0.00068%; no homozygotes.

Submissions (2):

Baylor Genetics
Classification: Uncertain significance for Dilated cardiomyopathy 1GG. Last evaluated: 2023-11-10. Review status: criteria provided, single submitter. Criteria: ACMG Guidelines, 2015. Collection method: clinical testing. Allele origin: unknown.

Labcorp Genetics (formerly Invitae), Labcorp
Classification: Uncertain significance for Pheochromocytoma/paraganglioma syndrome 5; Mitochondrial complex II deficiency, nuclear type 1. Last evaluated: 2022-11-01. Review status: criteria provided, single submitter. Criteria: Invitae Variant Classification Sherloc (09022015). Collection method: clinical testing. Allele origin: germline.
Comment: In summary, the available evidence is currently insufficient to determine the role of this variant in disease. Therefore, it has been classified as a Variant of Uncertain Significance. Advanced modeling of protein sequence and biophysical properties (such as structural, functional, and spatial information, amino acid conservation, physicochemical variation, residue mobility, and thermodynamic stability) performed at Invitae indicates that this missense variant is not expected to disrupt SDHA protein function. This variant has not been reported in the literature in individuals affected with SDHA-related conditions. This variant is not present in population databases (gnomAD no frequency). This sequence change replaces threonine, which is neutral and polar, with serine, which is neutral and polar, at codon 281 of the SDHA protein (p.Thr281Ser).